The following is an entry in ClinVar:

NM_015909.4(NBAS):c.248_249dup (p.Val84fs)

Gene: NBAS (NBAS subunit of NRZ tethering complex; minus strand). Cytogenetic location: 2p24.3.
Variant type: Duplication.
Coding change: c.248_249dup on transcript NM_015909.4 (MANE Select); coding-DNA positions 248 to 249, 2 bases duplicated (TG; older notation c.248_249dupTG).
Protein change: p.Val84fs; shifts the reading frame from valine 84.
Molecular consequence: frameshift variant. On other transcripts: non-coding transcript variant (1).
Genome position (GRCh38, 1-based): chr2:15,554,099-15,554,100, CA duplicated on the plus strand (TG on the coding strand, the reverse complement: NBAS is on the minus strand). VCF-style (leftmost placement, unchanged base first): chr2-15554098-C-CCA. GRCh37 (hg19) VCF-style: chr2-15694222-C-CCA.
Other names: short protein forms V84fs.
Identifiers: ClinVar variation 2881213 (VCV002881213.3), dbSNP rs760730197, ClinGen allele CA1537148.
Genomic context (GRCh38, chr2:15,554,098, plus strand): 5'-CATTGAATTTCACACTTCCTTACCTTGCAAGTACCAAATGCCAGTTTATCTGTTTATTAA[C>CCA]CAAGCGAACCAGTCCATCAGGGAGCAAAAAAGGTGCCGGGCTGAAATCACAACACATTAG-3'

ClinVar aggregate classification (germline): Pathogenic (1 of 4 stars; one submission).

Allele frequency attached by ClinVar (database versions not stated): ExAC 0.00001; gnomAD exomes 0.00001; TOPMed 0.00001.

Submission:

Labcorp Genetics (formerly Invitae), Labcorp
Classification: Pathogenic. Last evaluated: 2023-12-11. Review status: criteria provided, single submitter. Criteria: Invitae Variant Classification Sherloc (09022015). Collection method: clinical testing. Allele origin: germline.
Comment: This sequence change creates a premature translational stop signal (p.Val84Trpfs*6) in the NBAS gene. It is expected to result in an absent or disrupted protein product. Loss-of-function variants in NBAS are known to be pathogenic (PMID: 26073778, 26541327, 27789416, 28031453). This variant is present in population databases (rs760730197, gnomAD 0.009%). This variant has not been reported in the literature in individuals affected with NBAS-related conditions. For these reasons, this variant has been classified as Pathogenic.

Literature cited by the submitters: PubMed 26073778; PubMed 26541327; PubMed 27789416; PubMed 28031453.